The following is an entry in ClinVar:

ClinVar aggregate classification (germline): Uncertain significance (1 of 4 stars; one submission).

Conditions:
Autosomal dominant Parkinson disease 8. Also called: Parkinson disease 8, susceptibility to; LRRK2-Related Parkinson Disease; Parkinson disease 8. Identifiers: Orphanet 411602, MedGen C1846862, MONDO:0011764, OMIM 607060.

gnomAD v4.1: 23 of 1,611,144 alleles (0.0014%); highest among the groups gnomAD compares: Non-Finnish European, 0.0019%; no homozygotes.

Submission:

Labcorp Genetics (formerly Invitae), Labcorp
Classification: Uncertain significance for Autosomal dominant Parkinson disease 8. Last evaluated: 2025-08-29. Review status: criteria provided, single submitter. Criteria: Invitae Variant Classification Sherloc (09022015). Collection method: clinical testing. Allele origin: germline.
Comment: This sequence change replaces arginine, which is basic and polar, with serine, which is neutral and polar, at codon 960 of the LRRK2 protein (p.Arg960Ser). This variant is present in population databases (rs199847386, gnomAD 0.007%). This variant has not been reported in the literature in individuals affected with LRRK2-related conditions. An algorithm developed to predict the effect of missense changes on protein structure and function (PolyPhen-2) suggests that this variant is likely to be tolerated. In summary, the available evidence is currently insufficient to determine the role of this variant in disease. Therefore, it has been classified as a Variant of Uncertain Significance.

NM_198578.4(LRRK2):c.2880G>T (p.Arg960Ser)

Gene: LRRK2 (leucine rich repeat kinase 2; plus strand). Cytogenetic location: 12q12.
Variant type: single nucleotide variant.
Coding change: c.2880G>T on transcript NM_198578.4 (MANE Select); coding-DNA position 2880, G replaced by T.
Protein change: p.Arg960Ser; replaces arginine 960 with serine.
Molecular consequence: missense variant.
Genome position (GRCh38, 1-based): chr12:40,295,428, G>T. VCF-style: chr12-40295428-G-T. GRCh37 (hg19) VCF-style: chr12-40689230-G-T.
Other names: short protein forms R960S.
Identifiers: ClinVar variation 4738130 (VCV004738130.1).